The following is an entry in ClinVar:

ClinVar aggregate classification (germline): Uncertain significance (1 of 4 stars; one submission).

Conditions:
Cystic fibrosis (CF). Also called: MUCOVISCIDOSIS. Identifiers: Orphanet 586, MedGen C0010674, MONDO:0009061, OMIM 219700. Disease mechanism: loss of function.

gnomAD v4.1: 1 of 1,613,894 alleles (0.000062%); no homozygotes.

Submission:

Ambry Genetics
Classification: Uncertain significance for Cystic fibrosis. Last evaluated: 2025-04-06. Review status: criteria provided, single submitter. Criteria: Ambry Variant Classification Scheme 2023. Collection method: clinical testing. Allele origin: germline.
Comment: The p.Q689R variant (also known as c.2066A>G), located in coding exon 14 of the CFTR gene, results from an A to G substitution at nucleotide position 2066. The glutamine at codon 689 is replaced by arginine, an amino acid with highly similar properties. This amino acid position is conserved. In addition, this alteration is predicted to be deleterious by in silico analysis. Based on the available evidence, the clinical significance of this variant remains unclear.

NM_000492.4(CFTR):c.2066A>G (p.Gln689Arg)

Gene: CFTR (CF transmembrane conductance regulator; plus strand). Cytogenetic location: 7q31.2.
Variant type: single nucleotide variant.
Coding change: c.2066A>G on transcript NM_000492.4 (MANE Select); coding-DNA position 2066, A replaced by G.
Protein change: p.Gln689Arg; replaces glutamine 689 with arginine.
Molecular consequence: missense variant.
Genome position (GRCh38, 1-based): chr7:117,592,233, A>G. VCF-style: chr7-117592233-A-G. GRCh37 (hg19) VCF-style: chr7-117232287-A-G.
Other names: short protein forms Q689R.
Identifiers: ClinVar variation 4001839 (VCV004001839.1).